The following is an entry in ClinVar:

NM_001113378.2(FANCI):c.2057A>G (p.Gln686Arg)

Gene: FANCI (FA complementation group I; plus strand). Cytogenetic location: 15q26.1.
Variant type: single nucleotide variant.
Coding change: c.2057A>G on transcript NM_001113378.2 (MANE Select); coding-DNA position 2057, A replaced by G.
Protein change: p.Gln686Arg; replaces glutamine 686 with arginine.
Molecular consequence: missense variant.
Genome position (GRCh38, 1-based): chr15:89,292,752, A>G. VCF-style: chr15-89292752-A-G. GRCh37 (hg19) VCF-style: chr15-89835983-A-G.
Other names: c.1778A>G, p.Gln593Arg (NM_001376910.1); c.2057A>G, p.Gln686Arg (NM_001376911.1, NM_018193.3); short protein forms Q593R, Q686R.
Identifiers: ClinVar variation 847634 (VCV000847634.10), dbSNP rs772393046, ClinGen allele CA7723270.

ClinVar aggregate classification (germline): Uncertain significance. Review status: criteria provided, multiple submitters, no conflicts (2 of 4 stars). 2 submissions from 2 submitters: Uncertain significance (2). Last evaluated 2024-05-28.

Conditions:
Fanconi anemia (FA). Also called: Fanconi's anemia. Identifiers: Orphanet 84, MedGen C0015625, MeSH D005199, MONDO:0019391.
Fanconi anemia complementation group I (FANCI). Also called: FANCI-Related Fanconi Anemia. Identifiers: Orphanet 84, MedGen C1836861, MONDO:0012186, OMIM 609053.

Allele frequency attached by ClinVar (database versions not stated): gnomAD exomes below 0.00001; TOPMed below 0.00001; ExAC 0.00001; gnomAD 0.00001.
gnomAD v4.1: 61 of 1,613,894 alleles (0.0038%); highest among the groups gnomAD compares: Non-Finnish European, 0.0051%; no homozygotes.

Submissions (2):

Fulgent Genetics
Classification: Uncertain significance for Fanconi anemia complementation group I. Last evaluated: 2024-05-28. Review status: criteria provided, single submitter. Criteria: ACMG Guidelines, 2015. Collection method: clinical testing. Allele origin: germline.

Labcorp Genetics (formerly Invitae), Labcorp
Classification: Uncertain significance for Fanconi anemia. Last evaluated: 2024-02-15. Review status: criteria provided, single submitter. Criteria: Invitae Variant Classification Sherloc (09022015). Collection method: clinical testing. Allele origin: germline.
Comment: This sequence change replaces glutamine, which is neutral and polar, with arginine, which is basic and polar, at codon 686 of the FANCI protein (p.Gln686Arg). This variant is present in population databases (rs772393046, gnomAD 0.0009%). This variant has not been reported in the literature in individuals affected with FANCI-related conditions. ClinVar contains an entry for this variant (Variation ID: 847634). Algorithms developed to predict the effect of missense changes on protein structure and function output the following: SIFT: "Not Available"; PolyPhen-2: "Benign"; Align-GVGD: "Not Available". The arginine amino acid residue is found in multiple mammalian species, which suggests that this missense change does not adversely affect protein function. In summary, the available evidence is currently insufficient to determine the role of this variant in disease. Therefore, it has been classified as a Variant of Uncertain Significance.